The following is an entry in ClinVar:

NM_000083.3(CLCN1):c.563-23A>T

Gene: CLCN1 (chloride voltage-gated channel 1; plus strand). Cytogenetic location: 7q34.
Variant type: single nucleotide variant.
Coding change: c.563-23A>T on transcript NM_000083.3 (MANE Select); 23 bases into the intron before coding-DNA position 563, A replaced by T.
Molecular consequence: intron variant.
Genome position (GRCh38, 1-based): chr7:143,321,692, A>T. VCF-style: chr7-143321692-A-T. GRCh37 (hg19) VCF-style: chr7-143018785-A-T.
Identifiers: ClinVar variation 680140 (VCV000680140.2), dbSNP rs41276048, ClinGen allele CA4536994.

ClinVar aggregate classification (germline): Benign. Review status: criteria provided, multiple submitters, no conflicts (2 of 4 stars). 2 submissions from 2 submitters: Benign (2). Last evaluated 2018-06-16.

Allele frequency attached by ClinVar (database versions not stated): 1000 Genomes Project 30x 0.03576; 1000 Genomes Project 0.03794; TOPMed 0.04941; gnomAD 0.05101 and 0.05131; ESP Exome Variant Server 0.05451.
gnomAD v4.1: 102,944 of 1,613,908 alleles (6.4%); highest among the groups gnomAD compares: Middle Eastern, 10%; 3,664 homozygotes.

Submissions (2):

GeneDx
Classification: Benign. Last evaluated: 2018-06-16. Review status: criteria provided, single submitter. Criteria: GeneDx Variant Classification (06012015). Collection method: clinical testing. Allele origin: germline. Affected: yes.
Comment: This variant is considered likely benign or benign based on one or more of the following criteria: it is a conservative change, it occurs at a poorly conserved position in the protein, it is predicted to be benign by multiple in silico algorithms, and/or has population frequency not consistent with disease.

Breakthrough Genomics
Classification: Benign. Review status: criteria provided, single submitter. Criteria: ACMG Guidelines, 2015. Collection method: not provided. Allele origin: germline. Inheritance: Autosomal recessive inheritance. Affected: yes.